The following is an entry in ClinVar:

NM_014049.5(ACAD9):c.867C>T (p.Val289=)

Gene: ACAD9 (acyl-CoA dehydrogenase family member 9; plus strand). Cytogenetic location: 3q21.3.
Variant type: single nucleotide variant.
Coding change: c.867C>T on transcript NM_014049.5 (MANE Select); coding-DNA position 867, C replaced by T.
Protein change: p.Val289=; no amino-acid change (valine 289 retained).
Molecular consequence: synonymous variant. On other transcripts: non-coding transcript variant (1).
Genome position (GRCh38, 1-based): chr3:128,901,334, C>T. VCF-style: chr3-128901334-C-T. GRCh37 (hg19) VCF-style: chr3-128620177-C-T.
Other names: c.867C>T (NM_014049.4).
Identifiers: ClinVar variation 1078018 (VCV001078018.11), dbSNP rs763819824, ClinGen allele CA2601309.

ClinVar aggregate classification (germline): Likely benign. Review status: criteria provided, single submitter (1 of 4 stars). 2 submissions from 2 submitters: Likely benign (1). 1 of the submissions does not count toward it. Last evaluated 2025-05-18.

Conditions:
ACAD9-related disorder. Also called: ACAD9-related condition.

Allele frequency attached by ClinVar (database versions not stated): gnomAD 0.00001; gnomAD exomes 0.00001 and 0.00002; TOPMed 0.00001; ExAC 0.00002.
gnomAD v4.1: 20 of 1,614,002 alleles (0.0012%); highest among the groups gnomAD compares: Non-Finnish European, 0.0016%; no homozygotes.

Submissions (2):

Labcorp Genetics (formerly Invitae), Labcorp
Classification: Likely benign. Last evaluated: 2025-05-18. Review status: criteria provided, single submitter. Criteria: Invitae Variant Classification Sherloc (09022015). Collection method: clinical testing. Allele origin: germline.

PreventionGenetics, part of Exact Sciences
Classification: Likely benign for ACAD9-related condition. Last evaluated: 2021-01-13. Review status: no assertion criteria provided. Collection method: clinical testing. Allele origin: germline. Not counted in ClinVar's aggregate classification.
Comment: This variant is classified as likely benign based on ACMG/AMP sequence variant interpretation guidelines (Richards et al. 2015 PMID: 25741868, with internal and published modifications).